The following is an entry in ClinVar:

NM_181332.3(NLGN4X):c.936G>A (p.Thr312=)

Gene: NLGN4X (neuroligin 4 X-linked; minus strand). Cytogenetic location: Xp22.32.
Variant type: single nucleotide variant.
Coding change: c.936G>A on transcript NM_181332.3 (MANE Select); coding-DNA position 936, G replaced by A.
Protein change: p.Thr312=; no amino-acid change (threonine 312 retained).
Molecular consequence: synonymous variant.
Genome position (GRCh38, 1-based): chrX:5,903,742, C>T on the plus strand (G>A on the coding strand, the complement: NLGN4X is on the minus strand). VCF-style: chrX-5903742-C-T. GRCh37 (hg19) VCF-style: chrX-5821783-C-T.
Other names: c.936G>A, p.Thr312= (NM_001282145.2, NM_001282146.2, NM_020742.4).
Identifiers: ClinVar variation 1676141 (VCV001676141.38), dbSNP rs201720833, ClinGen allele CA10341097.

ClinVar aggregate classification (germline): Likely benign. Review status: criteria provided, multiple submitters, no conflicts (2 of 4 stars). 4 submissions from 4 submitters: Likely benign (4). Last evaluated 2025-04-03.

Conditions:
Inborn genetic diseases. Identifiers: MedGen C0950123, MeSH D030342.

Allele frequency attached by ClinVar (database versions not stated): gnomAD exomes 0.00002 and 0.00007; ExAC 0.00003; TOPMed 0.00005; gnomAD 0.00007 and 0.00008; ESP Exome Variant Server 0.00009.
gnomAD v4.1: 85 of 1,209,930 alleles (0.007%); highest among the groups gnomAD compares: Non-Finnish European, 0.0086%; no homozygotes.

Submissions (4):

Women's Health and Genetics/Laboratory Corporation of America, LabCorp
Classification: Likely benign. Last evaluated: 2025-04-03. Review status: criteria provided, single submitter. Criteria: LabCorp Variant Classification Summary - May 2015. Collection method: clinical testing. Allele origin: germline.

CeGaT Center for Human Genetics Tuebingen
Classification: Likely benign. Last evaluated: 2024-02-01. Review status: criteria provided, single submitter. Criteria: CeGaT Center For Human Genetics Tuebingen Variant Classification Criteria Version 2. Collection method: clinical testing. Allele origin: germline. Affected: yes. Observed: 3 variant alleles.
Comment: NLGN4X: BP4, BP7

Ambry Genetics
Classification: Likely benign for Inborn genetic diseases. Last evaluated: 2018-07-17. Review status: criteria provided, single submitter. Criteria: Ambry Variant Classification Scheme 2023. Collection method: clinical testing. Allele origin: germline.

Breakthrough Genomics
Classification: Likely benign. Review status: criteria provided, single submitter. Criteria: ACMG Guidelines, 2015. Collection method: not provided. Allele origin: germline. Inheritance: X-linked inheritance. Affected: yes.